The following is an entry in ClinVar:

NM_002473.6(MYH9):c.56A>G (p.Asn19Ser)

Gene: MYH9 (myosin heavy chain 9; minus strand). Cytogenetic location: 22q12.3.
Variant type: single nucleotide variant.
Coding change: c.56A>G on transcript NM_002473.6 (MANE Select); coding-DNA position 56, A replaced by G.
Protein change: p.Asn19Ser; replaces asparagine 19 with serine.
Molecular consequence: missense variant.
Genome position (GRCh38, 1-based): chr22:36,349,181, T>C on the plus strand (A>G on the coding strand, the complement: MYH9 is on the minus strand). VCF-style: chr22-36349181-T-C. GRCh37 (hg19) VCF-style: chr22-36745226-T-C.
Other names: short protein forms N19S.
Identifiers: ClinVar variation 2446693 (VCV002446693.1), dbSNP rs1569536666, ClinGen allele CA411549639.

ClinVar aggregate classification (germline): Uncertain significance (1 of 4 stars; one submission).

Submission:

GeneDx
Classification: Uncertain significance. Last evaluated: 2022-10-03. Review status: criteria provided, single submitter. Criteria: GeneDx Variant Classification Process June 2021. Collection method: clinical testing. Allele origin: germline. Affected: yes.
Comment: Not observed at significant frequency in large population cohorts (gnomAD); In silico analysis supports that this missense variant does not alter protein structure/function; Has not been previously published as pathogenic or benign to our knowledge